The following is an entry in ClinVar:

NM_001144967.3(NEDD4L):c.2674G>A (p.Ala892Thr)

Gene: NEDD4L (NEDD4 like E3 ubiquitin protein ligase; plus strand). Cytogenetic location: 18q21.31.
Variant type: single nucleotide variant.
Coding change: c.2674G>A on transcript NM_001144967.3 (MANE Select); coding-DNA position 2674, G replaced by A.
Protein change: p.Ala892Thr; replaces alanine 892 with threonine.
Molecular consequence: missense variant.
Genome position (GRCh38, 1-based): chr18:58,390,664, G>A. VCF-style: chr18-58390664-G-A. GRCh37 (hg19) VCF-style: chr18-56057896-G-A.
Other names: c.2311G>A, p.Ala771Thr (NM_001144964.1, NM_001144965.2, NM_001144966.3); c.2650G>A, p.Ala884Thr (NM_001144968.2); c.2590G>A, p.Ala864Thr (NM_001144969.2); c.2251G>A, p.Ala751Thr (NM_001144970.3, NM_001144971.2); c.2482G>A, p.Ala828Thr (NM_001243960.2); c.2614G>A, p.Ala872Thr (NM_015277.6); short protein forms A751T, A771T, A828T, A864T, A872T, A884T, A892T.
Identifiers: ClinVar variation 1326249 (VCV001326249.2), dbSNP rs2146969107, ClinGen allele CA402559965.

ClinVar aggregate classification (germline): Likely benign (1 of 4 stars; one submission).

gnomAD v4.1: 5 of 1,589,214 alleles (0.00031%); highest among the groups gnomAD compares: Non-Finnish European, 0.00043%; no homozygotes.

Submission:

GeneDx
Classification: Likely benign. Last evaluated: 2021-01-19. Review status: criteria provided, single submitter. Criteria: GeneDx Variant Classification Process June 2021. Collection method: clinical testing. Allele origin: germline. Affected: yes.
Comment: Not observed in large population cohorts (Lek et al., 2016); In silico analysis supports that this missense variant does not alter protein structure/function; Has not been previously published as pathogenic or benign to our knowledge